The following is an entry in ClinVar:

NM_006514.4(SCN10A):c.629G>T (p.Gly210Val)

Gene: SCN10A (sodium voltage-gated channel alpha subunit 10; minus strand). Cytogenetic location: 3p22.2.
Variant type: single nucleotide variant.
Coding change: c.629G>T on transcript NM_006514.4 (MANE Select); coding-DNA position 629, G replaced by T.
Protein change: p.Gly210Val; replaces glycine 210 with valine.
Molecular consequence: missense variant.
Genome position (GRCh38, 1-based): chr3:38,763,567, C>A on the plus strand (G>T on the coding strand, the complement: SCN10A is on the minus strand). VCF-style: chr3-38763567-C-A. GRCh37 (hg19) VCF-style: chr3-38805058-C-A.
Other names: c.629G>T, p.Gly210Val (NM_001293306.2, NM_001293307.2); short protein forms G210V.
Identifiers: ClinVar variation 1752697 (VCV001752697.2), dbSNP rs2470816411, ClinGen allele CA352172158.

ClinVar aggregate classification (germline): Uncertain significance (1 of 4 stars; one submission).

Conditions:
Cardiovascular phenotype. Identifiers: MedGen CN230736.

Submission:

Ambry Genetics
Classification: Uncertain significance for Cardiovascular phenotype. Last evaluated: 2022-06-19. Review status: criteria provided, single submitter. Criteria: Ambry Variant Classification Scheme 2023. Collection method: clinical testing. Allele origin: germline.
Comment: The p.G210V variant (also known as c.629G>T), located in coding exon 5 of the SCN10A gene, results from a G to T substitution at nucleotide position 629. The glycine at codon 210 is replaced by valine, an amino acid with dissimilar properties. This amino acid position is conserved. In addition, the in silico prediction for this alteration is inconclusive. Since supporting evidence is limited at this time, the clinical significance of this alteration remains unclear.